The following is an entry in ClinVar:

ClinVar aggregate classification (germline): Uncertain significance (1 of 4 stars; one submission).

Conditions:
Perlman syndrome (PRLMNS). Identifiers: Orphanet 2849, MedGen C0796113, MONDO:0009965, OMIM 267000.

Allele frequency attached by ClinVar (database versions not stated): gnomAD 0.00001 and 0.00002; gnomAD exomes 0.00001 and 0.00006; TOPMed 0.00001; ExAC 0.00005.
gnomAD v4.1: 18 of 1,613,768 alleles (0.0011%); highest among the groups gnomAD compares: Admixed American, 0.01%; no homozygotes.

Submission:

Labcorp Genetics (formerly Invitae), Labcorp
Classification: Uncertain significance for Perlman syndrome. Last evaluated: 2025-12-02. Review status: criteria provided, single submitter. Criteria: Invitae Variant Classification Sherloc (09022015). Collection method: clinical testing. Allele origin: germline.
Comment: This sequence change replaces glutamic acid, which is acidic and polar, with lysine, which is basic and polar, at codon 563 of the DIS3L2 protein (p.Glu563Lys). This variant is present in population databases (rs777578091, gnomAD 0.01%). This variant has not been reported in the literature in individuals affected with DIS3L2-related conditions. ClinVar contains an entry for this variant (Variation ID: 855776). Invitae Evidence Modeling of protein sequence and biophysical properties (such as structural, functional, and spatial information, amino acid conservation, physicochemical variation, residue mobility, and thermodynamic stability) indicates that this missense variant is not expected to disrupt DIS3L2 protein function with a negative predictive value of 80%. In summary, the available evidence is currently insufficient to determine the role of this variant in disease. Therefore, it has been classified as a Variant of Uncertain Significance.

NM_152383.5(DIS3L2):c.1687G>A (p.Glu563Lys)

Gene: DIS3L2 (DIS3 like 3'-5' exoribonuclease 2; plus strand). Cytogenetic location: 2q37.1.
Variant type: single nucleotide variant.
Coding change: c.1687G>A on transcript NM_152383.5 (MANE Select); coding-DNA position 1687, G replaced by A.
Protein change: p.Glu563Lys; replaces glutamic acid 563 with lysine.
Molecular consequence: missense variant. On other transcripts: non-coding transcript variant (2), intron variant (1).
Genome position (GRCh38, 1-based): chr2:232,300,067, G>A. VCF-style: chr2-232300067-G-A. GRCh37 (hg19) VCF-style: chr2-233164777-G-A.
Other names: c.1581+36705G>A (NM_001257281.2); short protein forms E563K.
Identifiers: ClinVar variation 855776 (VCV000855776.7), dbSNP rs777578091, ClinGen allele CA2164237.